The following is an entry in ClinVar:

ClinVar aggregate classification (germline): Pathogenic (1 of 4 stars; one submission).

Conditions:
Hereditary spastic paraplegia 4. Also called: Spastic Paraplegia 4; Spastic paraplegia 4, autosomal dominant; Familial spastic paraplegia autosomal dominant 2. Identifiers: Orphanet 100985, MedGen C1866855, MONDO:0008438, OMIM 182601.

Submission:

Labcorp Genetics (formerly Invitae), Labcorp
Classification: Pathogenic for Hereditary spastic paraplegia 4. Last evaluated: 2025-10-27. Review status: criteria provided, single submitter. Criteria: Invitae Variant Classification Sherloc (09022015). Collection method: clinical testing. Allele origin: germline.
Comment: This sequence change creates a premature translational stop signal (p.Ala350Glnfs*14) in the SPAST gene. It is expected to result in an absent or disrupted protein product. Loss-of-function variants in SPAST are known to be pathogenic (PMID: 20932283). This variant is not present in population databases (gnomAD no frequency). This variant has not been reported in the literature in individuals affected with SPAST-related conditions. For these reasons, this variant has been classified as Pathogenic.

Literature cited by the submitters: PubMed 20932283.

NM_014946.4(SPAST):c.1048del (p.Ala350fs)

Gene: SPAST (spastin; plus strand). Cytogenetic location: 2p22.3.
Variant type: Deletion.
Coding change: c.1048del on transcript NM_014946.4 (MANE Select); coding-DNA position 1048, one base deleted (G; older notation c.1048delG).
Protein change: p.Ala350fs; shifts the reading frame from alanine 350.
Molecular consequence: frameshift variant.
Genome position (GRCh38, 1-based): chr2:32,116,162, G deleted; the last of 2 consecutive G bases (chr2:32,116,161-32,116,162); deleting either gives the same sequence. VCF-style (leftmost placement, unchanged base first): chr2-32116160-TG-T. GRCh37 (hg19) VCF-style: chr2-32341229-TG-T.
Other names: c.1045del, p.Ala349fs (NM_001363823.2); c.949del, p.Ala317fs (NM_001363875.2); c.952del, p.Ala318fs (NM_001377959.1, NM_199436.2); short protein forms A318fs, A317fs, A350fs, A349fs.
Identifiers: ClinVar variation 4730002 (VCV004730002.1).
Genomic context (GRCh38, chr2:32,116,160, plus strand): 5'-CTGAGGTCTTGTTTCTTAGTGGAACAGCTGTTAAATTTGATGATATAGCTGGTCAAGACT[TG>T]GCAAAACAAGCATTGCAAGAAATTGTTATTCTTCCTTCTCTGAGGCCTGAGGTAAGAACT-3'